The following is an entry in ClinVar:

ClinVar aggregate classification (germline): Uncertain significance (1 of 4 stars; one submission).

Conditions:
Arrhythmogenic right ventricular dysplasia 11. Also called: ARRHYTHMOGENIC RIGHT VENTRICULAR DYSPLASIA, FAMILIAL, 11; Arrhythmogenic Right Ventricular Dysplasia/Cardiomyopathy11; Arrhythmogenic right ventricular dysplasia 11 with mild palmoplantar keratoderma and woolly hair. Identifiers: MedGen C1864850, MONDO:0012506, OMIM 610476.

Allele frequency attached by ClinVar (database versions not stated): gnomAD exomes below 0.00001.

Submission:

Labcorp Genetics (formerly Invitae), Labcorp
Classification: Uncertain significance for Arrhythmogenic right ventricular dysplasia 11. Last evaluated: 2024-12-28. Review status: criteria provided, single submitter. Criteria: Invitae Variant Classification Sherloc (09022015). Collection method: clinical testing. Allele origin: germline.
Comment: This sequence change affects the initiator methionine of the DSC2 mRNA. The next in-frame methionine is located at codon 144. This variant is not present in population databases (gnomAD no frequency). This variant has not been reported in the literature in individuals affected with DSC2-related conditions. ClinVar contains an entry for this variant (Variation ID: 2906384). Experimental studies and prediction algorithms are not available or were not evaluated, and the functional significance of this variant is currently unknown. In summary, the available evidence is currently insufficient to determine the role of this variant in disease. Therefore, it has been classified as a Variant of Uncertain Significance.

NM_024422.6(DSC2):c.2T>G (p.Met1Arg)

Genes: DSC2 (desmocollin 2; minus strand), DSCAS (DSC1/DSC2 antisense RNA; plus strand). Cytogenetic location: 18q12.1.
Variant type: single nucleotide variant.
Coding change: c.2T>G on transcript NM_024422.6 (MANE Select); coding-DNA position 2, T replaced by G.
Protein change: p.Met1Arg; changes the start codon (methionine 1).
Molecular consequence: missense variant, initiator codon variant.
Genome position (GRCh38, 1-based): chr18:31,101,970, A>C on the plus strand (T>G on the coding strand, the complement: DSC2 is on the minus strand). VCF-style: chr18-31101970-A-C. GRCh37 (hg19) VCF-style: chr18-28681933-A-C.
Other names: c.2T>G, p.Met1Arg (NM_004949.5); short protein forms M1R.
Identifiers: ClinVar variation 2906384 (VCV002906384.2), dbSNP rs1289006731, ClinGen allele CA402115334.